The following is an entry in ClinVar:

NM_000297.4(PKD2):c.1899-10A>G

Gene: PKD2 (polycystin 2, transient receptor potential cation channel; plus strand). Cytogenetic location: 4q22.1.
Variant type: single nucleotide variant.
Coding change: c.1899-10A>G on transcript NM_000297.4 (MANE Select); 10 bases into the intron before coding-DNA position 1899, A replaced by G.
Molecular consequence: intron variant.
Genome position (GRCh38, 1-based): chr4:88,057,973, A>G. VCF-style: chr4-88057973-A-G. GRCh37 (hg19) VCF-style: chr4-88979125-A-G.
Other names: c.1674-10A>G (NM_001440544.1).
Identifiers: ClinVar variation 4982605 (VCV004982605.1).

ClinVar aggregate classification (germline): Likely benign (1 of 4 stars; one submission).

Conditions:
PKD2-related disorder. Also called: PKD2-related condition.

Submission:

PreventionGenetics, part of Exact Sciences
Classification: Likely benign for PKD2-related condition. Last evaluated: 2025-01-15. Review status: criteria provided, single submitter. Criteria: ACMG Guidelines, 2015. Collection method: clinical testing. Allele origin: germline.
Comment: This variant is classified as likely benign based on ACMG/AMP sequence variant interpretation guidelines (Richards et al. 2015 PMID: 25741868, with internal and published modifications).